The following is an entry in ClinVar:

ClinVar aggregate classification (germline): Pathogenic/Likely pathogenic. Review status: criteria provided, multiple submitters, no conflicts (2 of 4 stars). 3 submissions from 3 submitters: Pathogenic (1); Likely pathogenic (2). Last evaluated 2023-08-10.

Conditions:
SPG11-related disorder. Also called: SPG11-related condition.
Amyotrophic lateral sclerosis type 5 (ALS5). Also called: AMYOTROPHIC LATERAL SCLEROSIS 5, JUVENILE. Identifiers: Orphanet 300605, MedGen C1865864, MONDO:0011196, OMIM 602099.
Charcot-Marie-Tooth disease axonal type 2X. Also called: CHARCOT-MARIE-TOOTH DISEASE, AXONAL, AUTOSOMAL RECESSIVE, TYPE 2X; CHARCOT-MARIE-TOOTH NEUROPATHY, TYPE 2X. Identifiers: Orphanet 466775, MedGen C5569024, MONDO:0014726, OMIM 616668.
Hereditary spastic paraplegia 11. Also called: Spastic Paraplegia 11; Spastic paraplegia, mental retardation and thin corpus callosum; SPASTIC PARAPLEGIA, AUTOSOMAL RECESSIVE, COMPLICATED, WITH THIN CORPUS CALLOSUM; SPASTIC PARAPLEGIA, AUTOSOMAL RECESSIVE, WITH MENTAL IMPAIRMENT AND THIN CORPUS CALLOSUM; Nakamura Osame syndrome; Autosomal recessive hereditary spastic paraplegia, mental impairment, and thin corpus callosum. Identifiers: Orphanet 2822, MedGen C1858479, MONDO:0011445, OMIM 604360.

Allele frequency attached by ClinVar (database versions not stated): gnomAD exomes below 0.00001; ExAC 0.00001.

Submissions (3):

Labcorp Genetics (formerly Invitae), Labcorp
Classification: Pathogenic for Hereditary spastic paraplegia 11. Last evaluated: 2023-08-10. Review status: criteria provided, single submitter. Criteria: Invitae Variant Classification Sherloc (09022015). Collection method: clinical testing. Allele origin: germline.
Comment: This variant has been observed in individual(s) with SPG11-related conditions (Invitae). ClinVar contains an entry for this variant (Variation ID: 858520). Algorithms developed to predict the effect of sequence changes on RNA splicing suggest that this variant may disrupt the consensus splice site. For these reasons, this variant has been classified as Pathogenic. This variant is present in population databases (rs771346977, gnomAD 0.0009%). This variant results in the deletion of part of exon 30 (c.5866_5866+4del) of the SPG11 gene. It is expected to disrupt RNA splicing. Variants that disrupt the donor or acceptor splice site typically lead to a loss of protein function (PMID: 16199547), and loss-of-function variants in SPG11 are known to be pathogenic (PMID: 19105190, 20110243, 22154821, 26556829).

Fulgent Genetics
Classification: Likely pathogenic for Amyotrophic lateral sclerosis type 5; Hereditary spastic paraplegia 11; Charcot-Marie-Tooth disease axonal type 2X. Last evaluated: 2022-04-05. Review status: criteria provided, single submitter. Criteria: ACMG Guidelines, 2015. Collection method: clinical testing. Allele origin: unknown.

Blueprint Genetics
Classification: Likely pathogenic for SPG11-related disorders. Last evaluated: 2019-07-31. Review status: criteria provided, single submitter. Criteria: ACMG Guidelines, 2015. Collection method: clinical testing. Allele origin: germline. Affected: yes. Observed: 1 variant allele.

Literature cited by the submitters: PubMed 16199547 (cited by Labcorp Genetics (formerly Invitae), Labcorp); PubMed 19105190 (cited by Labcorp Genetics (formerly Invitae), Labcorp); PubMed 20110243 (cited by Labcorp Genetics (formerly Invitae), Labcorp); PubMed 22154821 (cited by Labcorp Genetics (formerly Invitae), Labcorp); PubMed 26556829 (cited by Labcorp Genetics (formerly Invitae), Labcorp).

NM_025137.4(SPG11):c.5866_5866+4del

Gene: SPG11 (SPG11 vesicle trafficking associated, spatacsin; minus strand). Cytogenetic location: 15q21.1.
Variant type: Deletion.
Coding change: c.5866_5866+4del on transcript NM_025137.4 (MANE Select); coding-DNA position 5866 through 4 bases into the intron after coding-DNA position 5866, 5 bases deleted (AGTAA; older notation c.5866_5866+4delAGTAA).
Molecular consequence: splice donor variant.
Genome position (GRCh38, 1-based): chr15:44,583,810-44,583,814, TTACT deleted on the plus strand (AGTAA on the coding strand, the reverse complement: SPG11 is on the minus strand). VCF-style (leftmost placement, unchanged base first): chr15-44583809-CTTACT-C. GRCh37 (hg19) VCF-style: chr15-44876007-CTTACT-C.
Other names: c.5866_5866+4del (NM_001160227.2).
Identifiers: ClinVar variation 858520 (VCV000858520.11), dbSNP rs771346977, ClinGen allele CA7534332.